The following is an entry in ClinVar:

NM_001127222.2(CACNA1A):c.7488A>G (p.Glu2496=)

Gene: CACNA1A (calcium voltage-gated channel subunit alpha1 A; minus strand). Cytogenetic location: 19p13.13.
Variant type: single nucleotide variant.
Coding change: c.7488A>G on transcript NM_001127222.2 (MANE Select); coding-DNA position 7488, A replaced by G.
Protein change: p.Glu2496=; no amino-acid change (glutamic acid 2496 retained).
Molecular consequence: synonymous variant. On other transcripts: 3 prime UTR variant (3).
Genome position (GRCh38, 1-based): chr19:13,207,346, T>C on the plus strand (A>G on the coding strand, the complement: CACNA1A is on the minus strand). VCF-style: chr19-13207346-T-C. GRCh37 (hg19) VCF-style: chr19-13318160-T-C.
Other names: c.*700A>G (NM_000068.4, NM_001127221.2, NM_001174080.2); c.7506A>G, p.Glu2502= (NM_023035.3).
Identifiers: ClinVar variation 808460 (VCV000808460.43), dbSNP rs745440661, ClinGen allele CA9239146.

ClinVar aggregate classification (germline): Likely benign. Review status: criteria provided, multiple submitters, no conflicts (2 of 4 stars). 2 submissions from 2 submitters: Likely benign (2). Last evaluated 2024-09-30.

Allele frequency attached by ClinVar (database versions not stated): gnomAD 0.00001; gnomAD exomes 0.00004 and 0.00008; ExAC 0.00010.
gnomAD v4.1: 67 of 1,560,142 alleles (0.0043%); highest among the groups gnomAD compares: South Asian, 0.035%; no homozygotes.

Submissions (2):

Blueprint Genetics
Classification: Likely benign. Last evaluated: 2024-09-30. Review status: criteria provided, single submitter. Criteria: ACMG Guidelines, 2015. Collection method: clinical testing. Allele origin: germline.

CeGaT Center for Human Genetics Tuebingen
Classification: Likely benign. Last evaluated: 2022-05-01. Review status: criteria provided, single submitter. Criteria: CeGaT Center For Human Genetics Tuebingen Variant Classification Criteria Version 2. Collection method: clinical testing. Allele origin: germline. Affected: yes. Observed: 2 variant alleles.
Comment: CACNA1A: BP4, BP7